The following is an entry in ClinVar:

ClinVar aggregate classification (germline): Conflicting classifications of pathogenicity. Review status: criteria provided, conflicting classifications (1 of 4 stars). 5 submissions from 5 submitters: Uncertain significance (4); Benign (1). Last evaluated 2025-12-06.

Conditions:
SYNE2-related disorder. Also called: SYNE2-related condition.
Emery-Dreifuss muscular dystrophy 5, autosomal dominant (EDMD5). Also called: EMERY-DREIFUSS MUSCULAR DYSTROPHY 5. Identifiers: Orphanet 261, MedGen C2751805, MONDO:0013072, OMIM 612999.

Allele frequency attached by ClinVar (database versions not stated): ESP Exome Variant Server 0.00015; gnomAD 0.00015 and 0.00012; 1000 Genomes Project 0.00060; 1000 Genomes Project 30x 0.00078; ExAC 0.00006; TOPMed 0.00010.
gnomAD v4.1: 248 of 1,614,030 alleles (0.015%); highest among the groups gnomAD compares: Admixed American, 0.033%; 2 homozygotes.

Submissions (5):

Labcorp Genetics (formerly Invitae), Labcorp
Classification: Uncertain significance for Emery-Dreifuss muscular dystrophy 5, autosomal dominant. Last evaluated: 2025-12-06. Review status: criteria provided, single submitter. Criteria: Invitae Variant Classification Sherloc (09022015). Collection method: clinical testing. Allele origin: germline.
Comment: This sequence change replaces glutamic acid, which is acidic and polar, with lysine, which is basic and polar, at codon 5847 of the SYNE2 protein (p.Glu5847Lys). This variant is present in population databases (rs201427580, gnomAD 0.008%). This variant has not been reported in the literature in individuals affected with SYNE2-related conditions. ClinVar contains an entry for this variant (Variation ID: 283208). An algorithm developed to predict the effect of missense changes on protein structure and function outputs the following: PolyPhen-2: "Benign". The lysine amino acid residue is found in multiple mammalian species, which suggests that this missense change does not adversely affect protein function. In summary, the available evidence is currently insufficient to determine the role of this variant in disease. Therefore, it has been classified as a Variant of Uncertain Significance.

PreventionGenetics, part of Exact Sciences
Classification: Uncertain significance for SYNE2-related condition. Last evaluated: 2025-07-24. Review status: criteria provided, single submitter. Criteria: ACMG Guidelines, 2015. Collection method: clinical testing. Allele origin: germline.
Comment: The SYNE2 c.17539G>A variant is predicted to result in the amino acid substitution p.Glu5847Lys. To our knowledge, this variant has not been reported in the literature. This variant is reported in 0.0078% of alleles in individuals of European (Non-Finnish) descent in gnomAD. At this time, the clinical significance of this variant is uncertain due to the absence of conclusive functional and genetic evidence.

Revvity Omics, Revvity
Classification: Uncertain significance for Emery-Dreifuss muscular dystrophy 5, autosomal dominant. Last evaluated: 2019-04-18. Review status: criteria provided, single submitter. Criteria: ACMG Guidelines, 2015. Collection method: clinical testing. Allele origin: germline.

Illumina Laboratory Services, Illumina
Classification: Benign for Emery-Dreifuss muscular dystrophy 5, autosomal dominant. Last evaluated: 2018-01-12. Review status: criteria provided, single submitter. Criteria: ICSL Variant Classification Criteria 13 December 2019. Collection method: clinical testing. Allele origin: germline.
Comment: This variant was observed in the ICSL laboratory as part of a predisposition screen in an ostensibly healthy population. It had not been previously curated by ICSL or reported in the Human Gene Mutation Database (HGMD: prior to June 1st, 2018), and was therefore a candidate for classification through an automated scoring system. Utilizing variant allele frequency, disease prevalence and penetrance estimates, and inheritance mode, an automated score was calculated to assess if this variant is too frequent to cause the disease. Based on the score and internal cut-off values, a variant classified as benign is not then subjected to further curation. The score for this variant resulted in a classification of benign for this disease.

Eurofins Ntd Llc (ga)
Classification: Uncertain significance. Last evaluated: 2015-09-15. Review status: criteria provided, single submitter. Criteria: EGL Classification Definitions 2015. Collection method: clinical testing. Allele origin: germline. Observed: 2 variant alleles, 2 heterozygotes.

NM_182914.3(SYNE2):c.17539G>A (p.Glu5847Lys)

Gene: SYNE2 (spectrin repeat containing nuclear envelope protein 2; plus strand). Cytogenetic location: 14q23.2.
Variant type: single nucleotide variant.
Coding change: c.17539G>A on transcript NM_182914.3 (MANE Select); coding-DNA position 17539, G replaced by A.
Protein change: p.Glu5847Lys; replaces glutamic acid 5847 with lysine.
Molecular consequence: missense variant.
Genome position (GRCh38, 1-based): chr14:64,177,466, G>A. VCF-style: chr14-64177466-G-A. GRCh37 (hg19) VCF-style: chr14-64644184-G-A.
Other names: c.17539G>A, p.Glu5847Lys (NM_015180.6); short protein forms E5847K.
Identifiers: ClinVar variation 283208 (VCV000283208.17), dbSNP rs201427580, ClinGen allele CA7223733.